The following is an entry in ClinVar:

NM_001278116.2(L1CAM):c.992-1G>C

Gene: L1CAM (L1 cell adhesion molecule; minus strand). Cytogenetic location: Xq28.
Variant type: single nucleotide variant.
Coding change: c.992-1G>C on transcript NM_001278116.2 (MANE Select); the canonical splice acceptor site of the intron before coding-DNA position 992, G replaced by C.
Molecular consequence: splice acceptor variant.
Genome position (GRCh38, 1-based): chrX:153,869,935, C>G on the plus strand (G>C on the coding strand, the complement: L1CAM is on the minus strand). VCF-style: chrX-153869935-C-G. GRCh37 (hg19) VCF-style: chrX-153135390-C-G.
Other names: c.977-1G>C (NM_001143963.2); c.992-1G>C (NM_024003.3, NM_000425.5).
Identifiers: ClinVar variation 4532167 (VCV004532167.1).

ClinVar aggregate classification (germline): Likely pathogenic (1 of 4 stars; one submission).

Conditions:
L1 syndrome. Identifiers: Orphanet 275543, MedGen C5779710, MONDO:0017140.

Submission:

Victorian Clinical Genetics Services, Murdoch Childrens Research Institute
Classification: Likely pathogenic for L1 syndrome. Last evaluated: 2025-08-20. Review status: criteria provided, single submitter. Criteria: ACMG Guidelines, 2015. Collection method: clinical testing. Allele origin: germline. Affected: yes.
Comment: This variant is classified as Likely pathogenic. Evidence in support of pathogenic classification: Canonical splice site variant without proven consequence on splicing (no functional evidence available); Variant is absent from gnomAD (v2, v3 and v4); Other splice site variants comparable to the one identified in this case have moderate previous evidence for pathogenicity. c.992-2A>G has been classified once as pathogenic (ClinVar). c.992-1G>A has been reported in the literature in individuals with hydrocephalus and adducted thumbs (PMID: 10797421; Vinci, M. et al. (2016)); Abnormal splicing is predicted by in silico tool and affected nucleotide is highly conserved; Strong phenotype match for this individual. Additional information: This variant is hemizygous; This gene is associated with X-linked recessive disease; This variant has no previous evidence of pathogenicity; No published evidence of segregation with disease has been identified for this variant; No published functional evidence has been identified for this variant; Loss of function is a known mechanism of disease in this gene and is associated with L1 syndrome (MONDO:0017140); Variants in this gene are known to have variable expressivity. Both interfamilial and intrafamilial variability have been reported (PMID: 7562969, 16650080).

Literature cited by the submitters: PubMed 16650080; PubMed 7562969; PubMed 10797421.